The following is an entry in ClinVar:

NM_001368894.2(PAX6):c.226G>C (p.Glu76Gln)

Gene: PAX6 (paired box 6; minus strand). Cytogenetic location: 11p13.
Variant type: single nucleotide variant.
Coding change: c.226G>C on transcript NM_001368894.2 (MANE Select); coding-DNA position 226, G replaced by C.
Protein change: p.Glu76Gln; replaces glutamic acid 76 with glutamine.
Molecular consequence: missense variant. On other transcripts: 5 prime UTR variant (14), non-coding transcript variant (2), intron variant (8).
Genome position (GRCh38, 1-based): chr11:31,801,734, C>G on the plus strand (G>C on the coding strand, the complement: PAX6 is on the minus strand). VCF-style: chr11-31801734-C-G. GRCh37 (hg19) VCF-style: chr11-31823282-C-G.
Other names: c.184G>C, p.Glu62Gln (NM_000280.6, NM_001127612.3, NM_001258464.2 and 10 more transcripts); c.226G>C, p.Glu76Gln (NM_001258462.3, NM_001258463.2, NM_001310158.2 and 6 more transcripts); c.-556G>C (NM_001310160.2, NM_001368902.2, NM_001368905.2); c.-225G>C (NM_001310161.3, NM_001368899.2, NM_001368900.2 and 8 more transcripts); c.427G>C, p.Glu143Gln (NM_001368910.2); c.229G>C, p.Glu77Gln (NM_001368911.2); c.198+28G>C (NM_001368921.2, NM_001368923.2, NM_001368926.2 and 4 more transcripts); c.156+28G>C (NM_001368928.2); and 2 more; short protein forms E101Q, E143Q, E62Q, E76Q, E87Q, E77Q.
Identifiers: ClinVar variation 3928365 (VCV003928365.2).
Genomic context (GRCh38, chr11:31,801,734, plus strand): 5'-CTGGAGTCGCTACTCTCGGTTTACTACCACCGATTGCCCTGGGTCTGATGGAGCCAGTCT[C>G]GTAATACCTGCCCAGAATTTTACTCACACATCCGTTGGACACCTGCATAGGGGAAGTGGA-3'
Protein context (NP_001355823.1, residues 66-86): CVSKILGRYY[Glu76Gln]TGSIRPRAIG

ClinVar aggregate classification (germline): Uncertain significance (1 of 4 stars; one submission).

Conditions:
Inborn genetic diseases. Identifiers: MedGen C0950123, MeSH D030342.

gnomAD v4.1: 1 of 1,614,168 alleles (0.000062%); no homozygotes.

Submission:

Ambry Genetics
Classification: Uncertain significance for Inborn genetic diseases. Last evaluated: 2025-07-16. Review status: criteria provided, single submitter. Criteria: Ambry Variant Classification Scheme 2023. Collection method: clinical testing. Allele origin: germline.
Comment: The c.184G>C (p.E62Q) alteration is located in exon 6 (coding exon 3) of the PAX6 gene. This alteration results from a G to C substitution at nucleotide position 184, causing the glutamic acid (E) at amino acid position 62 to be replaced by a glutamine (Q). This variant was not reported in population-based cohorts in the Genome Aggregation Database (gnomAD). This amino acid position is highly conserved in available vertebrate species. This missense alteration is located in a region that has a low rate of benign missense variation (Lek, 2016; Firth, 2009). This alteration is predicted to be deleterious by in silico analysis. Based on insufficient or conflicting evidence, the clinical significance of this alteration remains unclear.